The following is an entry in ClinVar:

NM_001374353.1(GLI2):c.3459C>G (p.Asn1153Lys)

Gene: GLI2 (GLI family zinc finger 2; plus strand). Cytogenetic location: 2q14.2.
Variant type: single nucleotide variant.
Coding change: c.3459C>G on transcript NM_001374353.1 (MANE Select); coding-DNA position 3459, C replaced by G.
Protein change: p.Asn1153Lys; replaces asparagine 1153 with lysine.
Molecular consequence: missense variant.
Genome position (GRCh38, 1-based): chr2:120,989,424, C>G. VCF-style: chr2-120989424-C-G. GRCh37 (hg19) VCF-style: chr2-121747000-C-G.
Other names: c.3510C>G, p.Asn1170Lys (NM_001371271.1, NM_005270.5); c.3084C>G, p.Asn1028Lys (NM_001374354.1); short protein forms N1170K, N1028K, N1153K.
Identifiers: ClinVar variation 1980488 (VCV001980488.4), dbSNP rs774621936, ClinGen allele CA1852405.

ClinVar aggregate classification (germline): Uncertain significance (1 of 4 stars; one submission).

Conditions:
Postaxial polydactyly-anterior pituitary anomalies-facial dysmorphism syndrome. Also called: Culler-Jones syndrome. Identifiers: Orphanet 420584, MedGen C4014479, MONDO:0014369, OMIM 615849.
Holoprosencephaly 9 (HPE9). Also called: HOLOPROSENCEPHALY WITH MICROPHTHALMIA AND FIRST BRANCHIAL ARCH ANOMALIES; PITUITARY ANOMALIES WITH HOLOPROSENCEPHALY-LIKE FEATURES. Identifiers: Orphanet 2162, MedGen C1835819, MONDO:0012563, OMIM 610829.

Allele frequency attached by ClinVar (database versions not stated): ExAC 0.00001.
gnomAD v4.1: 1 of 1,613,124 alleles (0.000062%); highest among the groups gnomAD compares: Non-Finnish European, 0.000085%; no homozygotes.

Submission:

Labcorp Genetics (formerly Invitae), Labcorp
Classification: Uncertain significance for Postaxial polydactyly-anterior pituitary anomalies-facial dysmorphism syndrome; Holoprosencephaly 9. Last evaluated: 2025-11-05. Review status: criteria provided, single submitter. Criteria: Invitae Variant Classification Sherloc (09022015). Collection method: clinical testing. Allele origin: germline.
Comment: This sequence change replaces asparagine, which is neutral and polar, with lysine, which is basic and polar, at codon 1170 of the GLI2 protein (p.Asn1170Lys). This variant is present in population databases (rs774621936, gnomAD 0.0009%). This variant has not been reported in the literature in individuals affected with GLI2-related conditions. ClinVar contains an entry for this variant (Variation ID: 1980488). An algorithm developed to predict the effect of missense changes on protein structure and function (PolyPhen-2) suggests that this variant is likely to be tolerated. In summary, the available evidence is currently insufficient to determine the role of this variant in disease. Therefore, it has been classified as a Variant of Uncertain Significance.